The following is an entry in ClinVar:

ClinVar aggregate classification (germline): Pathogenic (1 of 4 stars; one submission).

Submission:

Labcorp Genetics (formerly Invitae), Labcorp
Classification: Pathogenic. Last evaluated: 2023-02-15. Review status: criteria provided, single submitter. Criteria: Invitae Variant Classification Sherloc (09022015). Collection method: clinical testing. Allele origin: germline.
Comment: This sequence change creates a premature translational stop signal (p.Gln36Profs*43) in the SLC39A4 gene. It is expected to result in an absent or disrupted protein product. Loss-of-function variants in SLC39A4 are known to be pathogenic (PMID: 12955721). This variant is not present in population databases (gnomAD no frequency). This variant has not been reported in the literature in individuals affected with SLC39A4-related conditions. For these reasons, this variant has been classified as Pathogenic.

Literature cited by the submitters: PubMed 12955721.

NM_130849.4(SLC39A4):c.106dup (p.Gln36fs)

Gene: SLC39A4 (solute carrier family 39 member 4; minus strand). Cytogenetic location: 8q24.3.
Variant type: Duplication.
Coding change: c.106dup on transcript NM_130849.4 (MANE Select); coding-DNA position 106, one base duplicated (C; older notation c.106dupC).
Protein change: p.Gln36fs; shifts the reading frame from glutamine 36.
Molecular consequence: frameshift variant.
Genome position (GRCh38, 1-based): chr8:144,416,684, G duplicated on the plus strand (C on the coding strand, the reverse complement: SLC39A4 is on the minus strand); the first of 2 consecutive G bases (chr8:144,416,684-144,416,685); duplicating either gives the same sequence. VCF-style (leftmost placement, unchanged base first): chr8-144416683-T-TG. GRCh37 (hg19) VCF-style: chr8-145642067-T-TG.
Other names: c.106dup, p.Gln36fs (NM_001374839.1); short protein forms Q36fs.
Identifiers: ClinVar variation 2029541 (VCV002029541.4), dbSNP rs2537440332, ClinGen allele CA2580078755.